The following is an entry in ClinVar:

NM_001130987.2(DYSF):c.240-3C>T

Gene: DYSF (dysferlin; plus strand). Cytogenetic location: 2p13.2.
Variant type: single nucleotide variant.
Coding change: c.240-3C>T on transcript NM_001130987.2 (MANE Select); 3 bases into the intron before coding-DNA position 240, C replaced by T.
Molecular consequence: intron variant.
Genome position (GRCh38, 1-based): chr2:71,503,211, C>T. VCF-style: chr2-71503211-C-T. GRCh37 (hg19) VCF-style: chr2-71730341-C-T.
Other names: c.237-3C>T (NM_001130979.2, NM_001130981.2, NM_001130980.2 and 4 more transcripts); c.240-3C>T (NM_001130982.2, NM_001130985.2, NM_001130983.2 and 3 more transcripts).
Identifiers: ClinVar variation 1395762 (VCV001395762.6), dbSNP rs1013317246, ClinGen allele CA49747928.
Genomic context (GRCh38, chr2:71,503,211, plus strand): 5'-TCTGGCAGAAGAGCCAGGGTGCCTTAGGCTAGTTTTCTACATTTGACTTCTCTCTCCTCT[C>T]AGGTTCCTGGGGGAAGCCAAGGTCCCACTCCGAGAGGTCCTCGCCACCCCTAGTCTGTCC-3'

ClinVar aggregate classification (germline): Uncertain significance (1 of 4 stars; one submission).

Conditions:
Neuromuscular disease caused by qualitative or quantitative defects of dysferlin. Also called: Qualitative or quantitative defects of dysferlin; Dysferlinopathy. Identifiers: Orphanet 207073, MedGen C2931687, MONDO:0016145.

Allele frequency attached by ClinVar (database versions not stated): gnomAD exomes below 0.00001.
gnomAD v4.1: 1 of 1,613,972 alleles (0.000062%); highest among the groups gnomAD compares: Non-Finnish European, 0.000085%; no homozygotes.

Submission:

Labcorp Genetics (formerly Invitae), Labcorp
Classification: Uncertain significance for Neuromuscular disease caused by qualitative or quantitative defects of dysferlin. Last evaluated: 2022-10-25. Review status: criteria provided, single submitter. Criteria: Invitae Variant Classification Sherloc (09022015). Collection method: clinical testing. Allele origin: germline.
Comment: This sequence change falls in intron 3 of the DYSF gene. It does not directly change the encoded amino acid sequence of the DYSF protein. It affects a nucleotide within the consensus splice site. This variant is not present in population databases (gnomAD no frequency). This variant has not been reported in the literature in individuals affected with DYSF-related conditions. ClinVar contains an entry for this variant (Variation ID: 1395762). Variants that disrupt the consensus splice site are a relatively common cause of aberrant splicing (PMID: 17576681, 9536098). Algorithms developed to predict the effect of sequence changes on RNA splicing suggest that this variant is not likely to affect RNA splicing. In summary, the available evidence is currently insufficient to determine the role of this variant in disease. Therefore, it has been classified as a Variant of Uncertain Significance.

Literature cited by the submitters: PubMed 17576681; PubMed 9536098.